The following is an entry in ClinVar:

ClinVar aggregate classification (germline): Uncertain significance (1 of 4 stars; one submission).

Conditions:
Xeroderma pigmentosum, group F (XPF). Also called: ERCC4-Related Xeroderma Pigmentosum; XERODERMA PIGMENTOSUM, COMPLEMENTATION GROUP F; XERODERMA PIGMENTOSUM VI; XP, GROUP F; XERODERMA PIGMENTOSUM, TYPE F; Xeroderma pigmentosum, type 6. Identifiers: MedGen C0268140, MONDO:0010215, OMIM 278760.
Fanconi anemia complementation group Q. Identifiers: Orphanet 84, MedGen C3808988, MONDO:0014108, OMIM 615272.
Cockayne syndrome. Identifiers: Orphanet 191, MedGen C0009207, MONDO:0016006.

Allele frequency attached by ClinVar (database versions not stated): TOPMed below 0.00001; ExAC 0.00001.
gnomAD v4.1: 32 of 1,605,560 alleles (0.002%); highest among the groups gnomAD compares: Non-Finnish European, 0.0027%; no homozygotes.

Submission:

Labcorp Genetics (formerly Invitae), Labcorp
Classification: Uncertain significance for Fanconi anemia complementation group Q; Xeroderma pigmentosum, group F; Cockayne syndrome. Last evaluated: 2024-12-15. Review status: criteria provided, single submitter. Criteria: Invitae Variant Classification Sherloc (09022015). Collection method: clinical testing. Allele origin: germline.
Comment: This sequence change replaces glycine, which is neutral and non-polar, with arginine, which is basic and polar, at codon 402 of the ERCC4 protein (p.Gly402Arg). This variant is present in population databases (rs200759609, gnomAD 0.002%). This variant has not been reported in the literature in individuals affected with ERCC4-related conditions. ClinVar contains an entry for this variant (Variation ID: 2929314). Invitae Evidence Modeling of protein sequence and biophysical properties (such as structural, functional, and spatial information, amino acid conservation, physicochemical variation, residue mobility, and thermodynamic stability) indicates that this missense variant is not expected to disrupt ERCC4 protein function with a negative predictive value of 80%. In summary, the available evidence is currently insufficient to determine the role of this variant in disease. Therefore, it has been classified as a Variant of Uncertain Significance.

NM_005236.3(ERCC4):c.1204G>C (p.Gly402Arg)

Gene: ERCC4 (ERCC excision repair 4, endonuclease catalytic subunit; plus strand). Cytogenetic location: 16p13.12.
Variant type: single nucleotide variant.
Coding change: c.1204G>C on transcript NM_005236.3 (MANE Select); coding-DNA position 1204, G replaced by C.
Protein change: p.Gly402Arg; replaces glycine 402 with arginine.
Molecular consequence: missense variant.
Genome position (GRCh38, 1-based): chr16:13,934,293, G>C. VCF-style: chr16-13934293-G-C. GRCh37 (hg19) VCF-style: chr16-14028150-G-C.
Other names: short protein forms G402R.
Identifiers: ClinVar variation 2929314 (VCV002929314.3), dbSNP rs200759609, ClinGen allele CA7910411.